The following is an entry in ClinVar:

NM_001079843.3(CASZ1):c.5112GGACGACGACGA[3] (p.Asp1711_Asp1712insGluAspAspAsp)

Gene: CASZ1 (castor zinc finger 1; minus strand). Cytogenetic location: 1p36.22.
Variant type: Microsatellite.
Coding change: c.5112GGACGACGACGA[3] on transcript NM_001079843.3 (MANE Select); three copies in a row of the 12-base unit GGACGACGACGA starting at c.5112; the reference has two copies in a row; one copy, 12 bases duplicated.
Protein change: p.Asp1711_Asp1712insGluAspAspAsp.
Molecular consequence: inframe insertion.
Genome position (GRCh38, 1-based): chr1:10,639,087-10,639,098, TCGTCGTCGTCC duplicated on the plus strand (GGACGACGACGA on the coding strand, the reverse complement: CASZ1 is on the minus strand); duplicating any 12 consecutive bases within chr1:10,639,087-10,639,121 gives the same sequence; the position shown is the placement nearest the transcript's 3' end. VCF-style (leftmost placement, unchanged base first): chr1-10639086-G-GTCGTCGTCGTCC. GRCh37 (hg19) VCF-style: chr1-10699143-G-GTCGTCGTCGTCC.
Identifiers: ClinVar variation 2894551 (VCV002894551.3), dbSNP rs770782033, ClinGen allele CA584067.
Genomic context (GRCh38, chr1:10,639,086, plus strand): 5'-GCCCGCCGCCTCCGCCGCCGCCTCGGGCAGCGACTCCTCCGAGTCGGTGCGCAGGTCCTC[G>GTCGTCGTCGTCC]TCGTCGTCGTCCTCGTCGTCGTCCTCGTCGTCGTCGTCCTCGTCGTCGTCCTCGTCCTCG-3'

ClinVar aggregate classification (germline): Uncertain significance (1 of 4 stars; one submission).

Submission:

Labcorp Genetics (formerly Invitae), Labcorp
Classification: Uncertain significance. Last evaluated: 2023-09-08. Review status: criteria provided, single submitter. Criteria: Invitae Variant Classification Sherloc (09022015). Collection method: clinical testing. Allele origin: germline.
Comment: This variant has not been reported in the literature in individuals affected with CASZ1-related conditions. In summary, the available evidence is currently insufficient to determine the role of this variant in disease. Therefore, it has been classified as a Variant of Uncertain Significance. The frequency data for this variant in the population databases is considered unreliable, as metrics indicate poor data quality at this position in the gnomAD database. This variant, c.5124_5135dup, results in the insertion of 4 amino acid(s) of the CASZ1 protein (p.Glu1708_Asp1711dup), but otherwise preserves the integrity of the reading frame.